The following is an entry in ClinVar:

ClinVar aggregate classification (germline): Uncertain significance (1 of 4 stars; one submission).

Submission:

GeneDx
Classification: Uncertain significance. Last evaluated: 2024-02-08. Review status: criteria provided, single submitter. Criteria: GeneDx Variant Classification Process June 2021. Collection method: clinical testing. Allele origin: germline. Affected: yes.
Comment: Frameshift variant predicted to result in abnormal protein length as the last 483 amino acids are replaced with 25 different amino acids; Not observed at significant frequency in large population cohorts (gnomAD); Has not been previously published as pathogenic or benign to our knowledge

NM_021964.3(ZNF148):c.933dup (p.Leu312fs)

Gene: ZNF148 (zinc finger protein 148; minus strand). Cytogenetic location: 3q21.2.
Variant type: Duplication.
Coding change: c.933dup on transcript NM_021964.3 (MANE Select); coding-DNA position 933, one base duplicated (A; older notation c.933dupA).
Protein change: p.Leu312fs; shifts the reading frame from leucine 312.
Molecular consequence: frameshift variant.
Genome position (GRCh38, 1-based): chr3:125,233,793, T duplicated on the plus strand (A on the coding strand, the reverse complement: ZNF148 is on the minus strand). VCF-style (leftmost placement, unchanged base first): chr3-125233792-G-GT. GRCh37 (hg19) VCF-style: chr3-124952636-G-GT.
Other names: c.933dup, p.Leu312fs (NM_001348424.1, NM_001348425.2, NM_001348426.2 and 7 more transcripts); c.807dup, p.Leu270fs (NM_001348434.2); short protein forms L270fs, L312fs.
Identifiers: ClinVar variation 3369062 (VCV003369062.1).